The following is an entry in ClinVar:

NM_152564.5(VPS13B):c.4310G>A (p.Arg1437His)

Gene: VPS13B (vacuolar protein sorting 13 homolog B; plus strand). Cytogenetic location: 8q22.2.
Variant type: single nucleotide variant.
Coding change: c.4310G>A on transcript NM_152564.5 (MANE Select); coding-DNA position 4310, G replaced by A.
Protein change: p.Arg1437His; replaces arginine 1437 with histidine.
Molecular consequence: missense variant.
Genome position (GRCh38, 1-based): chr8:99,511,189, G>A. VCF-style: chr8-99511189-G-A. GRCh37 (hg19) VCF-style: chr8-100523417-G-A.
Other names: c.4385G>A, p.Arg1462His (NM_017890.5); short protein forms R1437H, R1462H.
Identifiers: ClinVar variation 655379 (VCV000655379.9), dbSNP rs750810791, ClinGen allele CA4823515.

ClinVar aggregate classification (germline): Uncertain significance. Review status: criteria provided, single submitter (1 of 4 stars). 2 submissions from 2 submitters: Uncertain significance (1). 1 of the submissions does not count toward it. Last evaluated 2022-07-06.

Conditions:
Cohen syndrome (COH1). Also called: PEPPER SYNDROME; Cutis verticis gyrata, retinitis pigmentosa, and sensorineural deafness. Identifiers: Orphanet 193, MedGen C0265223, MONDO:0008999, OMIM 216550.

Allele frequency attached by ClinVar (database versions not stated): gnomAD 0.00001; TOPMed 0.00002; ExAC 0.00003.
gnomAD v4.1: 33 of 1,613,816 alleles (0.002%); highest among the groups gnomAD compares: East Asian, 0.0067%; no homozygotes.

Submissions (2):

Labcorp Genetics (formerly Invitae), Labcorp
Classification: Uncertain significance for Cohen syndrome. Last evaluated: 2022-07-06. Review status: criteria provided, single submitter. Criteria: Invitae Variant Classification Sherloc (09022015). Collection method: clinical testing. Allele origin: germline.
Comment: This sequence change replaces arginine, which is basic and polar, with histidine, which is basic and polar, at codon 1462 of the VPS13B protein (p.Arg1462His). This variant is present in population databases (rs750810791, gnomAD 0.005%). This variant has not been reported in the literature in individuals affected with VPS13B-related conditions. ClinVar contains an entry for this variant (Variation ID: 655379). Algorithms developed to predict the effect of missense changes on protein structure and function are either unavailable or do not agree on the potential impact of this missense change (SIFT: "Not Available"; PolyPhen-2: "Probably Damaging"; Align-GVGD: "Not Available"). In summary, the available evidence is currently insufficient to determine the role of this variant in disease. Therefore, it has been classified as a Variant of Uncertain Significance.

Natera, Inc.
Classification: Uncertain significance for Cohen syndrome. Last evaluated: 2020-12-14. Review status: no assertion criteria provided. Collection method: clinical testing. Allele origin: germline. Not counted in ClinVar's aggregate classification.